The following is an entry in ClinVar:

ClinVar aggregate classification (germline): Pathogenic (1 of 4 stars; one submission).

Conditions:
Orofacial cleft 6, susceptibility to (OFC6). Also called: CLEFT LIP WITH OR WITHOUT CLEFT PALATE, NONSYNDROMIC, 6. Identifiers: MedGen C1837213, MONDO:0012141, OMIM 608864.
Popliteal pterygium syndrome (PPS). Identifiers: Orphanet 294963, MedGen C0265259, MONDO:0017435.
Van der Woude syndrome. Identifiers: Orphanet 888, MedGen C0175697, MONDO:0019508.

Submission:

Labcorp Genetics (formerly Invitae), Labcorp
Classification: Pathogenic for Orofacial cleft 6, susceptibility to; Van der Woude syndrome; Popliteal pterygium syndrome. Last evaluated: 2023-11-13. Review status: criteria provided, single submitter. Criteria: Invitae Variant Classification Sherloc (09022015). Collection method: clinical testing. Allele origin: germline.
Comment: This sequence change creates a premature translational stop signal (p.Ile363Metfs*35) in the IRF6 gene. While this is not anticipated to result in nonsense mediated decay, it is expected to disrupt the last 105 amino acid(s) of the IRF6 protein. This variant is not present in population databases (gnomAD no frequency). This variant has not been reported in the literature in individuals affected with IRF6-related conditions. ClinVar contains an entry for this variant (Variation ID: 2050435). This variant disrupts a region of the IRF6 protein in which other variant(s) (p.Arg412*) have been determined to be pathogenic (PMID: 12219090, 19282774, 19623037, 21468557, 23154523). This suggests that this is a clinically significant region of the protein, and that variants that disrupt it are likely to be disease-causing. For these reasons, this variant has been classified as Pathogenic.

Literature cited by the submitters: PubMed 12219090; PubMed 19282774; PubMed 19623037; PubMed 21468557; PubMed 23154523.

NM_006147.4(IRF6):c.1089del (p.Ile363fs)

Gene: IRF6 (interferon regulatory factor 6; minus strand). Cytogenetic location: 1q32.2.
Variant type: Deletion.
Coding change: c.1089del on transcript NM_006147.4 (MANE Select); coding-DNA position 1089, one base deleted (A; older notation c.1089delA).
Protein change: p.Ile363fs; shifts the reading frame from isoleucine 363.
Molecular consequence: frameshift variant.
Genome position (GRCh38, 1-based): chr1:209,789,757, T deleted on the plus strand (A on the coding strand, the reverse complement: IRF6 is on the minus strand). VCF-style (leftmost placement, unchanged base first): chr1-209789756-CT-C. GRCh37 (hg19) VCF-style: chr1-209963101-CT-C.
Other names: c.804del, p.Ile268fs (NM_001206696.2); short protein forms I363fs, I268fs.
Identifiers: ClinVar variation 2050435 (VCV002050435.4), dbSNP rs2464667395, ClinGen allele CA2580061972.
Genomic context (GRCh38, chr1:209,789,756, plus strand): 5'-GTTTCCCATCTGGCCATTCTTCCCCAAAGCATAAGTAGATCTCAAACGGTGGCTGCTTCT[CT>C]ATCTGTCCTTTCTGGTGGGCAATGAGATCTGCAGAAAGTGGAAGAGCAAGTTTGGTATAC-3'